The following is an entry in ClinVar:

ClinVar aggregate classification (germline): Uncertain significance. Review status: criteria provided, multiple submitters, no conflicts (2 of 4 stars). 2 submissions from 2 submitters: Uncertain significance (2). Last evaluated 2026-03-11.

Conditions:
Hereditary cancer-predisposing syndrome. Also called: Neoplastic Syndromes, Hereditary; Hereditary neoplastic syndrome; Tumor predisposition; Hereditary Cancer Syndrome. Identifiers: Orphanet 140162, MedGen C0027672, MeSH D009386, MONDO:0015356.

Submissions (2):

Ambry Genetics
Classification: Uncertain significance for Hereditary cancer-predisposing syndrome. Last evaluated: 2026-03-11. Review status: criteria provided, single submitter. Criteria: Ambry Variant Classification Scheme 2023. Collection method: clinical testing. Allele origin: germline.
Comment: The c.5173+4A>G intronic variant results from an A to G substitution 4 nucleotides after coding exon 38 in the POLE gene. This nucleotide position is not well conserved in available vertebrate species. In silico splice site analysis predicts that this alteration will not have any significant effect on splicing. Based on the available evidence, the clinical significance of this variant remains unclear.

Labcorp Genetics (formerly Invitae), Labcorp
Classification: Uncertain significance. Last evaluated: 2026-01-27. Review status: criteria provided, single submitter. Criteria: Invitae Variant Classification Sherloc (09022015). Collection method: clinical testing. Allele origin: germline.
Comment: This sequence change falls in intron 38 of the POLE gene. It does not directly change the encoded amino acid sequence of the POLE protein. It affects a nucleotide within the consensus splice site. This variant is not present in population databases (gnomAD no frequency). This variant has not been reported in the literature in individuals affected with POLE-related conditions. ClinVar contains an entry for this variant (Variation ID: 581614). Variants that disrupt the consensus splice site are a relatively common cause of aberrant splicing (PMID: 17576681, 9536098). Algorithms developed to predict the effect of sequence changes on RNA splicing suggest that this variant is not likely to affect RNA splicing. In summary, the available evidence is currently insufficient to determine the role of this variant in disease. Therefore, it has been classified as a Variant of Uncertain Significance.

Literature cited by the submitters: PubMed 17576681 (cited by Labcorp Genetics (formerly Invitae), Labcorp); PubMed 9536098 (cited by Labcorp Genetics (formerly Invitae), Labcorp).

NM_006231.4(POLE):c.5173+4A>G

Gene: POLE (DNA polymerase epsilon, catalytic subunit; minus strand). Cytogenetic location: 12q24.33.
Variant type: single nucleotide variant.
Coding change: c.5173+4A>G on transcript NM_006231.4 (MANE Select); 4 bases into the intron after coding-DNA position 5173, A replaced by G.
Molecular consequence: intron variant.
Genome position (GRCh38, 1-based): chr12:132,642,173, T>C on the plus strand (A>G on the coding strand, the complement: POLE is on the minus strand). VCF-style: chr12-132642173-T-C. GRCh37 (hg19) VCF-style: chr12-133218759-T-C.
Other names: c.5173+4A>G (NM_006231.2).
Identifiers: ClinVar variation 581614 (VCV000581614.7), dbSNP rs1565936629, ClinGen allele CA891843961.